The following is an entry in ClinVar:

ClinVar aggregate classification (germline): Pathogenic (1 of 4 stars; one submission).

Submission:

Labcorp Genetics (formerly Invitae), Labcorp
Classification: Pathogenic. Last evaluated: 2024-02-19. Review status: criteria provided, single submitter. Criteria: Invitae Variant Classification Sherloc (09022015). Collection method: clinical testing. Allele origin: germline.
Comment: This sequence change creates a premature translational stop signal (p.Ile273Metfs*7) in the TBCE gene. It is expected to result in an absent or disrupted protein product. Loss-of-function variants in TBCE are known to be pathogenic (PMID: 27666369, 34134906, 34356170). This variant is not present in population databases (gnomAD no frequency). This variant has not been reported in the literature in individuals affected with TBCE-related conditions. For these reasons, this variant has been classified as Pathogenic.

Literature cited by the submitters: PubMed 27666369; PubMed 34134906; PubMed 34356170.

NM_003193.5(TBCE):c.819del (p.Ile273fs)

Gene: TBCE (tubulin folding cofactor E; plus strand). Cytogenetic location: 1q42.3.
Variant type: Deletion.
Coding change: c.819del on transcript NM_003193.5 (MANE Select); coding-DNA position 819, one base deleted (A; older notation c.819delA).
Protein change: p.Ile273fs; shifts the reading frame from isoleucine 273.
Molecular consequence: frameshift variant.
Genome position (GRCh38, 1-based): chr1:235,435,826, A deleted. VCF-style (leftmost placement, unchanged base first): chr1-235435825-TA-T. GRCh37 (hg19) VCF-style: chr1-235599140-TA-T.
Other names: c.819del, p.Ile273fs (NM_001079515.3); c.972del, p.Ile324fs (NM_001287801.2); c.480del, p.Ile160fs (NM_001287802.2); short protein forms I160fs, I324fs, I273fs.
Identifiers: ClinVar variation 3641993 (VCV003641993.2).